The following is an entry in ClinVar:

ClinVar aggregate classification (germline): Likely benign. Review status: criteria provided, multiple submitters, no conflicts (2 of 4 stars). 3 submissions from 3 submitters: Likely benign (3). Last evaluated 2025-05-01.

Conditions:
Familial thoracic aortic aneurysm and aortic dissection (TAAD). Also called: Thoracic aortic aneurysms and dissections. Identifiers: Orphanet 91387, MedGen C4707243, MONDO:0019625.
FG syndrome (FGS). Identifiers: MedGen C0220769, MONDO:0002010.

Allele frequency attached by ClinVar (database versions not stated): ExAC 0.00001; gnomAD exomes 0.00001.
gnomAD v4.1: 7 of 1,211,108 alleles (0.00058%); highest among the groups gnomAD compares: African/African-American, 0.0017%; no homozygotes.

Submissions (3):

Labcorp Genetics (formerly Invitae), Labcorp
Classification: Likely benign for FG syndrome. Last evaluated: 2025-05-01. Review status: criteria provided, single submitter. Criteria: Invitae Variant Classification Sherloc (09022015). Collection method: clinical testing. Allele origin: germline.

Ambry Genetics
Classification: Likely benign for Familial thoracic aortic aneurysm and aortic dissection. Last evaluated: 2024-12-28. Review status: criteria provided, single submitter. Criteria: Ambry Variant Classification Scheme 2023. Collection method: clinical testing. Allele origin: germline.

CeGaT Center for Human Genetics Tuebingen
Classification: Likely benign. Last evaluated: 2022-11-01. Review status: criteria provided, single submitter. Criteria: CeGaT Center For Human Genetics Tuebingen Variant Classification Criteria Version 2. Collection method: clinical testing. Allele origin: germline. Affected: yes. Observed: 1 variant allele.
Comment: MED12: BP4, BP7

NM_005120.3(MED12):c.5139A>C (p.Arg1713=)

Gene: MED12 (mediator complex subunit 12; plus strand). Cytogenetic location: Xq13.1.
Variant type: single nucleotide variant.
Coding change: c.5139A>C on transcript NM_005120.3 (MANE Select); coding-DNA position 5139, A replaced by C.
Protein change: p.Arg1713=; no amino-acid change (arginine 1713 retained).
Molecular consequence: synonymous variant.
Genome position (GRCh38, 1-based): chrX:71,136,394, A>C. VCF-style: chrX-71136394-A-C. GRCh37 (hg19) VCF-style: chrX-70356244-A-C.
Other names: c.5139A>C (NM_005120.2).
Identifiers: ClinVar variation 2660850 (VCV002660850.27), dbSNP rs751934349, ClinGen allele CA10444748.